The following is an entry in ClinVar:

ClinVar aggregate classification (germline): Conflicting classifications of pathogenicity. Review status: criteria provided, conflicting classifications (1 of 4 stars). 5 submissions from 5 submitters: Uncertain significance (1); Benign (2); Likely benign (2). Last evaluated 2025-02-10.

Conditions:
Familial hypercholesterolemia. Also called: Familial hypercholesterolemias; Familial hypercholesterolaemia. Identifiers: MedGen C0020445, MONDO:0005439.
Hypercholesterolemia, autosomal dominant, 3 (FHCL3). Also called: Familial hypercholesterolemia 3; Familial Hypercholesterolemia, Autosomal Dominant, 3; PCSK9-Related Familial Hypercholesterolemia, Autosomal Dominant. Identifiers: MedGen C1863551, MONDO:0011369, OMIM 603776.

Submissions (5):

Women's Health and Genetics/Laboratory Corporation of America, LabCorp
Classification: Benign. Last evaluated: 2025-02-10. Review status: criteria provided, single submitter. Criteria: LabCorp Variant Classification Summary - May 2015. Collection method: clinical testing. Allele origin: germline.
Comment: Variant summary: PCSK9 c.1682-3dupC alters a conserved nucleotide located close to a canonical splice site and therefore could affect mRNA splicing, leading to a significantly altered protein sequence. Consensus agreement among computation tools predict no significant impact on normal splicing. However, these predictions have yet to be confirmed by functional studies. The variant allele was found at a frequency of 3.4e-05 in 1603630 control chromosomes, predominantly at a frequency of 4.5e-05 within the Non-Finnish European subpopulation in the gnomAD v4 database. The observed variant frequency within Non-Finnish European control individuals in the gnomAD database is approximately 1.2 fold of the estimated maximal expected allele frequency for a pathogenic variant in PCSK9 causing Familial Hypercholesterolemia phenotype (3.8e-05). To our knowledge, no occurrence of c.1682-3dupC in individuals affected with Familial Hypercholesterolemia and no experimental evidence demonstrating its impact on protein function have been reported. ClinVar contains an entry for this variant (Variation ID: 924578). Based on the evidence outlined above, the variant was classified as benign.

Quest Diagnostics Nichols Institute San Juan Capistrano
Classification: Uncertain significance. Last evaluated: 2024-01-22. Review status: criteria provided, single submitter. Criteria: Quest Diagnostics criteria. Collection method: clinical testing. Allele origin: unknown.
Comment: The PCSK9 c.1682-3dup variant has not been reported in individuals with PCSK9-related conditions in the published literature. The frequency of this variant in the general population, 0.000028 (3/105540 chromosomes (Genome Aggregation Database)), is uninformative in the assessment of its pathogenicity. Analysis of this variant using software algorithms for the prediction of the effect of nucleotide changes on splicing yielded predictions that this variant does not affect PCSK9 mRNA splicing. Based on the available information, we are unable to determine the clinical significance of this variant.

All of Us Research Program, National Institutes of Health
Classification: Likely benign for Hypercholesterolemia, autosomal dominant, 3. Last evaluated: 2023-12-01. Review status: criteria provided, single submitter. Criteria: ACMG Guidelines, 2015. Collection method: clinical testing. Allele origin: germline. Inheritance: Autosomal dominant inheritance. Observed: 2 variant alleles, 2 heterozygotes.
Comment: This study involves interpretation of variants in research participants for the purpose of population health screening. Participant phenotype was not available at the time of variant classification. Additional details can be found in publication PMID: 35346344, PMCID: PMC8962531

Labcorp Genetics (formerly Invitae), Labcorp
Classification: Benign for Hypercholesterolemia, autosomal dominant, 3. Last evaluated: 2023-10-16. Review status: criteria provided, single submitter. Criteria: Invitae Variant Classification Sherloc (09022015). Collection method: clinical testing. Allele origin: germline.

Color Diagnostics, LLC DBA Color Health
Classification: Likely benign for Familial hypercholesterolemia. Last evaluated: 2020-03-17. Review status: criteria provided, single submitter. Criteria: ACMG Guidelines, 2015. Collection method: clinical testing. Allele origin: germline.

NM_174936.4(PCSK9):c.1682-3dup

Gene: PCSK9 (proprotein convertase subtilisin/kexin type 9; plus strand). Cytogenetic location: 1p32.3.
Variant type: Duplication.
Coding change: c.1682-3dup on transcript NM_174936.4 (MANE Select); 3 bases into the intron before coding-DNA position 1682, one base duplicated (C; older notation c.1682-3dupC).
Molecular consequence: intron variant.
Genome position (GRCh38, 1-based): chr1:55,061,372, C duplicated; the last of 4 consecutive C bases (chr1:55,061,369-55,061,372); duplicating any one gives the same sequence. VCF-style (leftmost placement, unchanged base first): chr1-55061368-G-GC. GRCh37 (hg19) VCF-style: chr1-55527041-G-GC.
Other names: c.1682-3dupC (NM_174936.4).
Identifiers: ClinVar variation 924578 (VCV000924578.13), dbSNP rs749072203, ClinGen allele CA038511.